The following is an entry in ClinVar:

NM_000091.5(COL4A3):c.1721C>T (p.Pro574Leu)

Genes: COL4A3 (collagen type IV alpha 3 chain; plus strand), MFF-DT (MFF divergent transcript; minus strand). Cytogenetic location: 2q36.3.
Variant type: single nucleotide variant.
Coding change: c.1721C>T on transcript NM_000091.5 (MANE Select); coding-DNA position 1721, C replaced by T.
Protein change: p.Pro574Leu; replaces proline 574 with leucine.
Molecular consequence: missense variant.
Genome position (GRCh38, 1-based): chr2:227,270,915, C>T. VCF-style: chr2-227270915-C-T. GRCh37 (hg19) VCF-style: chr2-228135631-C-T.
Other names: NM_000091.4(COL4A3):c.1721C>T(p.Pro574Leu); short protein forms P574L.
Identifiers: ClinVar variation 254985 (VCV000254985.33), dbSNP rs28381984, ClinGen allele CA2146740.
Genomic context (GRCh38, chr2:227,270,915, plus strand): 5'-GTGACCCGGGGCTCAGAGGCCAACCTGGGAGAAAGGGCTTGGATGGAATTCCTGGAACTC[C>T]GGGAGTGAAAGGATTACCAGGACCTAAAGGCGAACTGGTTGGTATTTAGCAACTTTACCC-3'
Protein context (NP_000082.2, residues 564-584): RKGLDGIPGT[Pro574Leu]GVKGLPGPKG

ClinVar aggregate classification (germline): Benign. Review status: criteria provided, multiple submitters, no conflicts (2 of 4 stars). 15 submissions from 15 submitters: Benign (12). 3 of the submissions do not count toward it. Last evaluated 2026-02-04.

Conditions:
Alport syndrome. Also called: Hemorrhagic familial nephritis; Hemorrhagic hereditary nephritis; Congenital hereditary hematuria. Identifiers: Orphanet 63, MedGen C1567741, MONDO:0018965.
Autosomal recessive Alport syndrome (ATS2). Also called: ALPORT SYNDROME 2, AUTOSOMAL RECESSIVE; Alport syndrome type 2; COL4A4 Alport Syndrome and Thin Basement Membrane Nephropathy; COL4A3-Related Nephropathy. Identifiers: Orphanet 63, Orphanet 88919, MedGen C4746745, MONDO:0008762, OMIM 203780.

Allele frequency attached by ClinVar (database versions not stated): TOPMed 0.37663; gnomAD 0.38447 and 0.39424; ESP Exome Variant Server 0.38901; 1000 Genomes Project 30x 0.39413; 1000 Genomes Project 0.39996; gnomAD exomes 0.46883 and 0.48903; ExAC 0.46945.
gnomAD v4.1: 772,900 of 1,613,562 alleles (48%); highest among the groups gnomAD compares: South Asian, 59%; 189,564 homozygotes.

Submissions (15):

Labcorp Genetics (formerly Invitae), Labcorp
Classification: Benign. Last evaluated: 2026-02-04. Review status: criteria provided, single submitter. Criteria: Invitae Variant Classification Sherloc (09022015). Collection method: clinical testing. Allele origin: germline.

Blueprint Genetics
Classification: Benign. Last evaluated: 2024-11-26. Review status: criteria provided, single submitter. Criteria: ACMG Guidelines, 2015. Collection method: clinical testing. Allele origin: germline.

Unidad de Genómica Garrahan, Hospital de Pediatría Garrahan
Classification: Benign. Last evaluated: 2024-07-15. Review status: criteria provided, single submitter. Criteria: ACMG Guidelines, 2015. Collection method: clinical testing. Allele origin: germline. Affected: no. Observed: 67 variant alleles.
Comment: This variant is classified as Benign based on local population frequency. This variant was detected in 72% of patients studied in a panel designed for Epileptic and Developmental Encephalopathy and Progressive Myoclonus Epilepsy. Number of patients: 67. Only high quality variants are reported.

Mayo Clinic Laboratories, Mayo Clinic
Classification: Benign. Last evaluated: 2022-03-09. Review status: criteria provided, single submitter. Criteria: ACMG Guidelines, 2015. Collection method: clinical testing. Allele origin: germline. Observed: 260 variant alleles.

Genome-Nilou Lab
Classification: Benign for Autosomal recessive Alport syndrome. Last evaluated: 2021-06-10. Review status: criteria provided, single submitter. Criteria: ACMG Guidelines, 2015. Collection method: clinical testing. Allele origin: germline. Affected: no.

SIB Swiss Institute of Bioinformatics
Classification: Benign. Last evaluated: 2018-05-31. Review status: criteria provided, single submitter. Criteria: ACMG Guidelines, 2015. Collection method: curation. Allele origin: unknown.
Comment: This variant is interpreted as a Benign - Stand Alone. The following ACMG Tag(s) were applied: BA1 => Allele frequency is >5% in Exome Sequencing Project, 1000 Genomes Project, or Exome Aggregation Consortium.

Illumina Laboratory Services, Illumina
Classification: Benign for Alport syndrome. Last evaluated: 2018-01-12. Review status: criteria provided, single submitter. Criteria: ICSL Variant Classification Criteria 13 December 2019. Collection method: clinical testing. Allele origin: germline.
Comment: This variant was observed in the ICSL laboratory as part of a predisposition screen in an ostensibly healthy population. It had not been previously curated by ICSL or reported in the Human Gene Mutation Database (HGMD: prior to June 1st, 2018), and was therefore a candidate for classification through an automated scoring system. Utilizing variant allele frequency, disease prevalence and penetrance estimates, and inheritance mode, an automated score was calculated to assess if this variant is too frequent to cause the disease. Based on the score and internal cut-off values, a variant classified as benign is not then subjected to further curation. The score for this variant resulted in a classification of benign for this disease.

GeneDx
Classification: Benign. Last evaluated: 2017-05-09. Review status: criteria provided, single submitter. Criteria: GeneDx Variant Classification (06012015). Collection method: clinical testing. Allele origin: germline. Affected: yes.
Comment: This variant is considered likely benign or benign based on one or more of the following criteria: it is a conservative change, it occurs at a poorly conserved position in the protein, it is predicted to be benign by multiple in silico algorithms, and/or has population frequency not consistent with disease.

Athena Diagnostics
Classification: Benign. Last evaluated: 2017-04-28. Review status: criteria provided, single submitter. Criteria: Athena Diagnostics Criteria. Collection method: clinical testing. Allele origin: unknown.

Laboratory for Molecular Medicine, Mass General Brigham Personalized Medicine
Classification: Benign. Last evaluated: 2016-03-21. Review status: criteria provided, single submitter. Criteria: LMM Criteria. Collection method: clinical testing. Allele origin: germline. Observed: 184 variant alleles.
Comment: p.Pro574Leu in exon 25 of COL4A3: This variant is not expected to have clinical significance because it has been identified in 58.90% (9722/16506) of South Asia n chromosomes by the Exome Aggregation Consortium (ExAC; dbSNP rs28381984).

Breakthrough Genomics
Classification: Benign. Review status: criteria provided, single submitter. Criteria: ACMG Guidelines, 2015. Collection method: not provided. Allele origin: germline. Inheritance: Autosomal recessive inheritance. Affected: yes.

PreventionGenetics, part of Exact Sciences
Classification: Benign. Review status: criteria provided, single submitter. Criteria: ACMG Guidelines, 2015. Collection method: clinical testing. Allele origin: germline.

Natera, Inc.
Classification: Benign for Alport syndrome. Last evaluated: 2021-03-04. Review status: no assertion criteria provided. Collection method: clinical testing. Allele origin: germline. Not counted in ClinVar's aggregate classification.

Diagnostic Laboratory, Department of Genetics, University Medical Center Groningen
Classification: Benign. Review status: no assertion criteria provided. Collection method: clinical testing. Allele origin: germline. Affected: yes. Study: VKGL Data-share Consensus. Not counted in ClinVar's aggregate classification.

Joint Genome Diagnostic Labs from Nijmegen and Maastricht, Radboudumc and MUMC+
Classification: Benign. Review status: no assertion criteria provided. Collection method: clinical testing. Allele origin: germline. Affected: yes. Study: VKGL Data-share Consensus. Not counted in ClinVar's aggregate classification.